The following is an entry in ClinVar:

ClinVar aggregate classification (germline): Pathogenic (1 of 4 stars; one submission).

Conditions:
Neurofibromatosis, type 1 (NF1). Also called: VON RECKLINGHAUSEN DISEASE; Neurofibromatosis, type I; Peripheral type neurofibromatosis; NEUROFIBROMATOSIS, TYPE I, SOMATIC. Identifiers: Orphanet 636, MedGen C0027831, MONDO:0018975, OMIM 162200. Disease mechanism: loss of function.

Submission:

Labcorp Genetics (formerly Invitae), Labcorp
Classification: Pathogenic for Neurofibromatosis, type 1. Last evaluated: 2023-02-02. Review status: criteria provided, single submitter. Criteria: Invitae Variant Classification Sherloc (09022015). Collection method: clinical testing. Allele origin: unknown.
Comment: For these reasons, this variant has been classified as Pathogenic. This variant disrupts a region of the NF1 protein in which other variant(s) (p.His1143Tyr) have been determined to be pathogenic (PMID: 12807981, 18546366, 30530636; Invitae). This suggests that this is a clinically significant region of the protein, and that variants that disrupt it are likely to be disease-causing. This variant has not been reported in the literature in individuals affected with NF1-related conditions. This variant is a gross deletion of the genomic region encompassing exon(s) 25-29 of the NF1 gene. This variant would be expected to be in-frame, preserving the integrity of the reading frame.

Literature cited by the submitters: PubMed 12807981; PubMed 18546366; PubMed 30530636.

NC_000017.10:g.(?_29559071)_(29563059_?)del

Gene: NF1 (neurofibromin 1; plus strand). Cytogenetic location: 17q11.2.
Variant type: Deletion.
Identifiers: ClinVar variation 3242860 (VCV003242860.1).